The following is an entry in ClinVar:

ClinVar aggregate classification (germline): Benign (0 of 4 stars; one submission).

Conditions:
KIRREL1-related disorder. Also called: KIRREL1-related condition.

Allele frequency attached by ClinVar (database versions not stated): gnomAD exomes 0.00107; ExAC 0.00458; gnomAD 0.01166; 1000 Genomes Project 0.01298; TOPMed 0.01306; 1000 Genomes Project 30x 0.01452; ESP Exome Variant Server 0.01467.
gnomAD v4.1: 3,371 of 1,551,802 alleles (0.22%); highest among the groups gnomAD compares: African/African-American, 4.1%; 73 homozygotes.

Submission:

PreventionGenetics, part of Exact Sciences
Classification: Benign for KIRREL1-related condition. Last evaluated: 2020-01-28. Review status: no assertion criteria provided. Collection method: clinical testing. Allele origin: germline.
Comment: This variant is classified as benign based on ACMG/AMP sequence variant interpretation guidelines (Richards et al. 2015 PMID: 25741868, with internal and published modifications).

NM_018240.7(KIRREL1):c.378C>T (p.Asp126=)

Gene: KIRREL1 (kirre like nephrin family adhesion molecule 1; plus strand). Cytogenetic location: 1q23.1.
Variant type: single nucleotide variant.
Coding change: c.378C>T on transcript NM_018240.7 (MANE Select); coding-DNA position 378, C replaced by T.
Protein change: p.Asp126=; no amino-acid change (aspartic acid 126 retained).
Molecular consequence: synonymous variant.
Genome position (GRCh38, 1-based): chr1:158,084,447, C>T. VCF-style: chr1-158084447-C-T. GRCh37 (hg19) VCF-style: chr1-158054237-C-T.
Other names: c.78C>T, p.Asp26= (NM_001286349.2).
Identifiers: ClinVar variation 3038995 (VCV003038995.2), dbSNP rs114925001, ClinGen allele CA1177384.